The following is an entry in ClinVar:

NM_001326325.2(CELF2):c.146+6C>A

Gene: CELF2 (CUGBP Elav-like family member 2; plus strand). Cytogenetic location: 10p14.
Variant type: single nucleotide variant.
Coding change: c.146+6C>A on transcript NM_001326325.2; 6 bases into the intron after coding-DNA position 146, C replaced by A.
Molecular consequence: intron variant.
Genome position (GRCh38, 1-based): chr10:10,920,005, C>A. VCF-style: chr10-10920005-C-A. GRCh37 (hg19) VCF-style: chr10-10961968-C-A.
Other names: c.-20+6C>A (NM_001326323.2, NM_001326320.2, NM_001326321.2 and 4 more transcripts); c.-58+6C>A (NM_001326319.2); c.89+6C>A (NM_001326327.2, NM_001326326.2).
Identifiers: ClinVar variation 4851935 (VCV004851935.1).

ClinVar aggregate classification (germline): Likely benign (1 of 4 stars; one submission).

gnomAD v4.1: 338 of 1,231,280 alleles (0.027%); highest among the groups gnomAD compares: African/African-American, 0.49%; no homozygotes.

Submission:

Dasa
Classification: Likely benign. Last evaluated: 2025-11-01. Review status: criteria provided, single submitter. Criteria: DASA Assertion Criteria. Collection method: clinical testing. Allele origin: germline.
Comment: NM_001326325.2(CELF2):c.146+6C>A is a splice-region variant predicted to affect normal RNA splicing. Multiple computational predictions suggest no deleterious effect on the gene or gene product. Based on the available data, this variant is classified as likely benign.